The following is an entry in ClinVar:

ClinVar aggregate classification (germline): Uncertain significance (1 of 4 stars; one submission).

Conditions:
Long QT syndrome (LQTS). Identifiers: MedGen C0023976, MeSH D008133, MONDO:0002442. Disease mechanism: loss of function. Inheritance: Various modes of inheritance.

Allele frequency attached by ClinVar (database versions not stated): gnomAD exomes below 0.00001.
gnomAD v4.1: 1 of 1,613,544 alleles (0.000062%); highest among the groups gnomAD compares: African/African-American, 0.0013%; no homozygotes.

Submission:

Labcorp Genetics (formerly Invitae), Labcorp
Classification: Uncertain significance for Long QT syndrome. Last evaluated: 2025-12-20. Review status: criteria provided, single submitter. Criteria: Invitae Variant Classification Sherloc (09022015). Collection method: clinical testing. Allele origin: germline.
Comment: This sequence change replaces lysine, which is basic and polar, with glutamic acid, which is acidic and polar, at codon 2089 of the AKAP9 protein (p.Lys2089Glu). This variant is not present in population databases (gnomAD no frequency). This variant has not been reported in the literature in individuals affected with AKAP9-related conditions. ClinVar contains an entry for this variant (Variation ID: 2912024). An algorithm developed to predict the effect of missense changes on protein structure and function (PolyPhen-2) suggests that this variant is likely to be disruptive. In summary, the available evidence is currently insufficient to determine the role of this variant in disease. Therefore, it has been classified as a Variant of Uncertain Significance.

NM_005751.5(AKAP9):c.6265A>G (p.Lys2089Glu)

Gene: AKAP9 (A-kinase anchoring protein 9; plus strand). Cytogenetic location: 7q21.2.
Variant type: single nucleotide variant.
Coding change: c.6265A>G on transcript NM_005751.5 (MANE Select); coding-DNA position 6265, A replaced by G.
Protein change: p.Lys2089Glu; replaces lysine 2089 with glutamic acid.
Molecular consequence: missense variant.
Genome position (GRCh38, 1-based): chr7:92,066,481, A>G. VCF-style: chr7-92066481-A-G. GRCh37 (hg19) VCF-style: chr7-91695795-A-G.
Other names: c.910A>G, p.Lys304Glu (NM_001379277.1); c.6265A>G, p.Lys2089Glu (NM_147185.3); short protein forms K2089E, K304E.
Identifiers: ClinVar variation 2912024 (VCV002912024.3), dbSNP rs2535208073, ClinGen allele CA368133276.